The following is an entry in ClinVar:

ClinVar aggregate classification (germline): Pathogenic/Likely pathogenic. Review status: criteria provided, multiple submitters, no conflicts (2 of 4 stars). 2 submissions from 2 submitters: Pathogenic (1); Likely pathogenic (1). Last evaluated 2024-04-18.

Conditions:
Hypertrophic cardiomyopathy 4. Also called: Familial hypertrophic cardiomyopathy 4. Identifiers: MedGen C1861862, MONDO:0007268, OMIM 115197.
Cardiovascular phenotype. Identifiers: MedGen CN230736.

Submissions (2):

Ambry Genetics
Classification: Pathogenic for Cardiovascular phenotype. Last evaluated: 2024-04-18. Review status: criteria provided, single submitter. Criteria: Ambry Variant Classification Scheme 2023. Collection method: clinical testing. Allele origin: germline.
Comment: The c.2670dupG pathogenic mutation, located in coding exon 26 of the MYBPC3 gene, results from a duplication of G at nucleotide position 2670, causing a translational frameshift with a predicted alternate stop codon (p.R891Afs*160). This alteration has been reported in individuals with hypertrophic cardiomyopathy (HCM) (Coto E et al. J Mol Diagn, 2012 Sep;14:518-24; Marsiglia JD et al. Am Heart J, 2013 Oct;166:775-82; Jim&eacute;nez-J&aacute;imez J et al. Rev Esp Cardiol (Engl Ed), 2017 Oct;70:808-816). In addition to the clinical data presented in the literature, this alteration is expected to result in loss of function by premature protein truncation or nonsense-mediated mRNA decay. As such, this alteration is interpreted as a disease-causing mutation.

Laboratory of Genetics and Molecular Cardiology, University of São Paulo
Classification: Likely pathogenic for Hypertrophic cardiomyopathy 4. Review status: criteria provided, single submitter. Criteria: LGCM Criteria August 2015. Collection method: clinical testing. Allele origin: germline. Inheritance: Autosomal dominant inheritance. Affected: yes. Observed: 3 variant alleles. Study: Sarcomeric Human Cardiomyopathy Registry (ShaRe).

Literature cited by the submitters: PubMed 22765922 (cited by Ambry Genetics); PubMed 24093860 (cited by Ambry Genetics); PubMed 28566242 (cited by Ambry Genetics).

NM_000256.3(MYBPC3):c.2670dup (p.Arg891fs)

Gene: MYBPC3 (myosin binding protein C3; minus strand). Cytogenetic location: 11p11.2.
Variant type: Duplication.
Coding change: c.2670dup on transcript NM_000256.3 (MANE Select); coding-DNA position 2670, one base duplicated (G; older notation c.2670dupG).
Protein change: p.Arg891fs; shifts the reading frame from arginine 891.
Molecular consequence: frameshift variant.
Genome position (GRCh38, 1-based): chr11:47,335,944, C duplicated on the plus strand (G on the coding strand, the reverse complement: MYBPC3 is on the minus strand); the first of 2 consecutive C bases (chr11:47,335,944-47,335,945); duplicating either gives the same sequence. VCF-style (leftmost placement, unchanged base first): chr11-47335943-G-GC. GRCh37 (hg19) VCF-style: chr11-47357494-G-GC.
Other names: c.2670_2671insG (NM_000256.3); c.2670dup, p.Arg891fs (LRG_386t1); c.2670dupG (NM_000256.3); short protein forms R891fs.
Identifiers: ClinVar variation 217476 (VCV000217476.2), dbSNP rs863225104, ClinGen allele CA279270.